The following is an entry in ClinVar:

ClinVar aggregate classification (germline): Likely pathogenic (1 of 4 stars; one submission).

Submission:

Labcorp Genetics (formerly Invitae), Labcorp
Classification: Likely pathogenic. Last evaluated: 2023-02-16. Review status: criteria provided, single submitter. Criteria: Invitae Variant Classification Sherloc (09022015). Collection method: clinical testing. Allele origin: germline.
Comment: This variant is not present in population databases (gnomAD no frequency). This variant has not been reported in the literature in individuals affected with MYO15A-related conditions. Algorithms developed to predict the effect of sequence changes on RNA splicing suggest that this variant may disrupt the consensus splice site. In summary, the currently available evidence indicates that the variant is pathogenic, but additional data are needed to prove that conclusively. Therefore, this variant has been classified as Likely Pathogenic. This sequence change affects a donor splice site in intron 9 of the MYO15A gene. It is expected to disrupt RNA splicing. Variants that disrupt the donor or acceptor splice site typically lead to a loss of protein function (PMID: 16199547), and loss-of-function variants in MYO15A are known to be pathogenic (PMID: 17546645).

Literature cited by the submitters: PubMed 16199547; PubMed 17546645.

NM_016239.4(MYO15A):c.4142+2T>C

Gene: MYO15A (myosin XVA; plus strand). Cytogenetic location: 17p11.2.
Variant type: single nucleotide variant.
Coding change: c.4142+2T>C on transcript NM_016239.4 (MANE Select); the canonical splice donor site of the intron after coding-DNA position 4142, T replaced by C.
Molecular consequence: splice donor variant.
Genome position (GRCh38, 1-based): chr17:18,131,344, T>C. VCF-style: chr17-18131344-T-C. GRCh37 (hg19) VCF-style: chr17-18034658-T-C.
Identifiers: ClinVar variation 2815543 (VCV002815543.3), dbSNP rs2545220401, ClinGen allele CA398592670.